The following is an entry in ClinVar:

NM_000051.4(ATM):c.3576G>T (p.Lys1192Asn)

Gene: ATM (ATM serine/threonine kinase; plus strand). Cytogenetic location: 11q22.3.
Variant type: single nucleotide variant.
Coding change: c.3576G>T on transcript NM_000051.4 (MANE Select); coding-DNA position 3576, G replaced by T.
Protein change: p.Lys1192Asn; replaces lysine 1192 with asparagine.
Molecular consequence: missense variant.
Genome position (GRCh38, 1-based): chr11:108,281,168, G>T. VCF-style: chr11-108281168-G-T. GRCh37 (hg19) VCF-style: chr11-108151895-G-T.
Other names: c.3576G>T, p.Lys1192Asn (NM_001351834.2); short protein forms K1192N.
Identifiers: ClinVar variation 490539 (VCV000490539.15), dbSNP rs587776551, ClinGen allele CA382520816.

ClinVar aggregate classification (germline): Likely pathogenic. Review status: criteria provided, multiple submitters, no conflicts (2 of 4 stars). 4 submissions from 4 submitters: Likely pathogenic (4). Last evaluated 2025-06-10.

Conditions:
Hereditary cancer-predisposing syndrome. Also called: Tumor predisposition; Neoplastic Syndromes, Hereditary; Hereditary Cancer Syndrome; Hereditary neoplastic syndrome. Identifiers: Orphanet 140162, MedGen C0027672, MeSH D009386, MONDO:0015356.
Familial cancer of breast. Also called: BREAST CANCER, FAMILIAL; hereditary breast carcinoma; Hereditary breast cancer. Identifiers: Orphanet 227535, MedGen C0346153, MONDO:0016419, OMIM 114480. Disease mechanism: loss of function.
Ataxia-telangiectasia syndrome (AT). Also called: Ataxia-telangiectasia; Ataxia-telangiectasia, complementation group D; AT, COMPLEMENTATION GROUP C; LOUIS-BAR SYNDROME; Cerebello-oculocutaneous telangiectasia; Immunodeficiency with ataxia telangiectasia. Identifiers: Orphanet 100, MedGen C0004135, MONDO:0008840, OMIM 208900.

Submissions (4):

Ambry Genetics
Classification: Likely pathogenic for Hereditary cancer-predisposing syndrome. Last evaluated: 2025-06-10. Review status: criteria provided, single submitter. Criteria: Ambry Variant Classification Scheme 2023. Collection method: clinical testing. Allele origin: germline.
Comment: The c.3576G>T variant (also known as p.K1192N), located in coding exon 23 of the ATM gene, results from a G to T substitution at nucleotide position 3576. The amino acid change results in lysine to asparagine at codon 1192, an amino acid with similar properties. However, this change occurs in the last base pair of coding exon 23, which makes it likely to have some effect on normal mRNA splicing. This nucleotide position is highly conserved in available vertebrate species. In silico splice site analysis predicts that this alteration will weaken the native splice donor site. RNA studies have demonstrated that this alteration results in abnormal splicing in the set of samples tested (Ambry internal data). This variant is considered to be rare based on population cohorts in the Genome Aggregation Database (gnomAD). Based on the majority of available evidence to date, this variant is likely to be pathogenic.

Myriad Genetics, Inc.
Classification: Likely pathogenic for Familial cancer of breast. Last evaluated: 2024-01-22. Review status: criteria provided, single submitter. Criteria: Myriad Autosomal Dominant, Autosomal Recessive and X-Linked Classification Criteria (2023). Collection method: clinical testing. Allele origin: unknown.
Comment: This variant is considered likely pathogenic. This variant has been reported in multiple individuals with clinical features of gene-specific disease [PMID: 9887333]. mRNA analysis has demonstrated abnormal mRNA splicing occurs [PMID: 8698354, Myriad internal data].

Labcorp Genetics (formerly Invitae), Labcorp
Classification: Likely pathogenic for Ataxia-telangiectasia syndrome. Last evaluated: 2022-10-21. Review status: criteria provided, single submitter. Criteria: Invitae Variant Classification Sherloc (09022015). Collection method: clinical testing. Allele origin: germline.
Comment: In summary, the currently available evidence indicates that the variant is pathogenic, but additional data are needed to prove that conclusively. Therefore, this variant has been classified as Likely Pathogenic. This variant disrupts the c.3576G nucleotide in the ATM gene. Other variant(s) that disrupt this nucleotide have been determined to be pathogenic (PMID: 8845835, 9887333, 17124347, 19691550, 22071889). This suggests that this nucleotide is clinically significant, and that variants that disrupt this position are likely to be disease-causing. Variants that disrupt the consensus splice site are a relatively common cause of aberrant splicing (PMID: 17576681, 9536098). Studies have shown that this missense change results in skipping of exon 24, also known as exon 23, but is expected to preserve the integrity of the reading-frame (external communication). Algorithms developed to predict the effect of missense changes on protein structure and function (SIFT, PolyPhen-2, Align-GVGD) all suggest that this variant is likely to be disruptive. ClinVar contains an entry for this variant (Variation ID: 490539). This variant has not been reported in the literature in individuals affected with ATM-related conditions. This variant is not present in population databases (gnomAD no frequency). This sequence change replaces lysine, which is basic and polar, with asparagine, which is neutral and polar, at codon 1192 of the ATM protein (p.Lys1192Asn). RNA analysis indicates that this missense change induces altered splicing and likely results in a shortened protein product.

Color Diagnostics, LLC DBA Color Health
Classification: Likely pathogenic for Hereditary cancer-predisposing syndrome. Last evaluated: 2021-08-04. Review status: criteria provided, single submitter. Criteria: ACMG Guidelines, 2015. Collection method: clinical testing. Allele origin: germline.
Comment: This variant causes a G to T nucleotide substitution at the last nucleotide of exon 24 of the ATM gene and replaces lysine with asparagine at codon 1192 of the ATM protein. Computational prediction suggests that this variant may not impact protein structure and function (internally defined REVEL score threshold <= 0.5, PMID: 27666373). Splice site prediction tools suggest that this variant may have a significant impact on RNA splicing. An RNA study has reported that this variant leads to the skipping of exon 24 in the RNA transcript, which is expected to result in an in-frame deletion of 58 amino acids of the ATM protein (communication with an external laboratory). Moreover, RNA studies have reported that a different variant affecting the same nucleotide position, c.3576G>A, also caused abnormal RNA splicing (PMID: 9887333, 21965147). While to our knowledge, this variant has not been reported in individuals affected with hereditary cancer in the literature, the similar variant, c.3576G>A, has been reported in individuals affected with ataxia-telangiectasia and breast cancer and is considered to be disease-causing (ClinVar variation ID: 3035). It suggests that this nucleotide position is clinically significant. This variant has not been identified in the general population by the Genome Aggregation Database (gnomAD). Based on the available evidence, this variant is classified as Likely Pathogenic.

Literature cited by the submitters: PubMed 9887333 (cited by Myriad Genetics, Inc. and Labcorp Genetics (formerly Invitae), Labcorp); PubMed 8698354 (cited by Myriad Genetics, Inc.); PubMed 8845835 (cited by Labcorp Genetics (formerly Invitae), Labcorp); PubMed 17124347 (cited by Labcorp Genetics (formerly Invitae), Labcorp); PubMed 19691550 (cited by Labcorp Genetics (formerly Invitae), Labcorp); PubMed 22071889 (cited by Labcorp Genetics (formerly Invitae), Labcorp); PubMed 17576681 (cited by Labcorp Genetics (formerly Invitae), Labcorp); PubMed 9536098 (cited by Labcorp Genetics (formerly Invitae), Labcorp).